The following is an entry in ClinVar:

ClinVar aggregate classification (germline): Uncertain significance. Review status: criteria provided, multiple submitters, no conflicts (2 of 4 stars). 5 submissions from 5 submitters: Uncertain significance (5). Last evaluated 2025-12-24.

Conditions:
LZTR1-related schwannomatosis. Also called: Schwannomatosis 2; Schwannomatosis-2, susceptibility to. Identifiers: Orphanet 93921, MedGen C3810283, MONDO:0014299, OMIM 615670.
Cardiovascular phenotype. Identifiers: MedGen CN230736.
Hereditary cancer-predisposing syndrome. Also called: Neoplastic Syndromes, Hereditary; Hereditary Cancer Syndrome; Tumor predisposition; Hereditary neoplastic syndrome. Identifiers: Orphanet 140162, MedGen C0027672, MeSH D009386, MONDO:0015356.

Allele frequency attached by ClinVar (database versions not stated): gnomAD exomes 0.00001.

Submissions (5):

Labcorp Genetics (formerly Invitae), Labcorp
Classification: Uncertain significance. Last evaluated: 2025-12-24. Review status: criteria provided, single submitter. Criteria: Invitae Variant Classification Sherloc (09022015). Collection method: clinical testing. Allele origin: germline.
Comment: This sequence change replaces proline, which is neutral and non-polar, with leucine, which is neutral and non-polar, at codon 640 of the LZTR1 protein (p.Pro640Leu). This variant is present in population databases (no rsID available, gnomAD 0.003%). This variant has not been reported in the literature in individuals affected with LZTR1-related conditions. ClinVar contains an entry for this variant (Variation ID: 1476906). Invitae Evidence Modeling of protein sequence and biophysical properties (such as structural, functional, and spatial information, amino acid conservation, physicochemical variation, residue mobility, and thermodynamic stability) indicates that this missense variant is not expected to disrupt LZTR1 protein function with a negative predictive value of 80%. In summary, the available evidence is currently insufficient to determine the role of this variant in disease. Therefore, it has been classified as a Variant of Uncertain Significance.

Mayo Clinic Laboratories, Mayo Clinic
Classification: Uncertain significance. Last evaluated: 2025-10-08. Review status: criteria provided, single submitter. Criteria: ACMG Guidelines, 2015. Collection method: clinical testing. Allele origin: germline. Observed: 1 variant allele.
Comment: BP4_moderate

Ambry Genetics
Classification: Uncertain significance for Cardiovascular phenotype; Hereditary cancer-predisposing syndrome. Last evaluated: 2025-08-14. Review status: criteria provided, single submitter. Criteria: Ambry Variant Classification Scheme 2023. Collection method: clinical testing. Allele origin: germline.

Baylor Genetics
Classification: Uncertain significance for LZTR1-related schwannomatosis. Last evaluated: 2023-12-06. Review status: criteria provided, single submitter. Criteria: ACMG Guidelines, 2015. Collection method: clinical testing. Allele origin: unknown.

GeneDx
Classification: Uncertain significance. Last evaluated: 2023-05-19. Review status: criteria provided, single submitter. Criteria: GeneDx Variant Classification Process June 2021. Collection method: clinical testing. Allele origin: germline. Affected: yes.
Comment: Not observed at significant frequency in large population cohorts (gnomAD); In silico analysis supports that this missense variant does not alter protein structure/function; Has not been previously published as pathogenic or benign to our knowledge

NM_006767.4(LZTR1):c.1919C>T (p.Pro640Leu)

Gene: LZTR1 (leucine zipper like post translational regulator 1; plus strand). Cytogenetic location: 22q11.21.
Variant type: single nucleotide variant.
Coding change: c.1919C>T on transcript NM_006767.4 (MANE Select); coding-DNA position 1919, C replaced by T.
Protein change: p.Pro640Leu; replaces proline 640 with leucine.
Molecular consequence: missense variant.
Genome position (GRCh38, 1-based): chr22:20,995,003, C>T. VCF-style: chr22-20995003-C-T. GRCh37 (hg19) VCF-style: chr22-21349292-C-T.
Other names: p.Pro640Leu; short protein forms P640L.
Identifiers: ClinVar variation 1476906 (VCV001476906.14), dbSNP rs866139168, ClinGen allele CA322270212.
Genomic context (GRCh38, chr22:20,995,003, plus strand): 5'-TCTCCTCTCCACTGATAGTGGAGATTGTGCGGCGGAAGCAGCAGCCGCCCCCTCGCACTC[C>T]CTTGGACCAGCCAGTGGACATTGGTAGGGAGCCCCGTTCCCCTTCCCTGGGGGCTGGGAG-3'
Protein context (NP_006758.2, residues 630-650): RRKQQPPPRT[Pro640Leu]LDQPVDIGTS